The following is an entry in ClinVar:

ClinVar aggregate classification (germline): Benign. Review status: criteria provided, multiple submitters, no conflicts (2 of 4 stars). 4 submissions from 4 submitters: Benign (3). 1 of the submissions does not count toward it. Last evaluated 2026-02-03.

Conditions:
LAMB1-related disorder. Also called: LAMB1-related condition.

Allele frequency attached by ClinVar (database versions not stated): gnomAD exomes 0.00103 and 0.00300; ExAC 0.00375; gnomAD 0.01155 and 0.01232; 1000 Genomes Project 30x 0.01171; 1000 Genomes Project 0.01178; TOPMed 0.01253; ESP Exome Variant Server 0.01538.
gnomAD v4.1: 3,320 of 1,614,146 alleles (0.21%); highest among the groups gnomAD compares: African/African-American, 4%; 58 homozygotes.

Submissions (4):

Labcorp Genetics (formerly Invitae), Labcorp
Classification: Benign. Last evaluated: 2026-02-03. Review status: criteria provided, single submitter. Criteria: Invitae Variant Classification Sherloc (09022015). Collection method: clinical testing. Allele origin: germline.

GeneDx
Classification: Benign. Last evaluated: 2016-05-06. Review status: criteria provided, single submitter. Criteria: GeneDx Variant Classification (06012015). Collection method: clinical testing. Allele origin: germline. Affected: yes.
Comment: This variant is considered likely benign or benign based on one or more of the following criteria: it is a conservative change, it occurs at a poorly conserved position in the protein, it is predicted to be benign by multiple in silico algorithms, and/or has population frequency not consistent with disease.

Breakthrough Genomics
Classification: Benign. Review status: criteria provided, single submitter. Criteria: ACMG Guidelines, 2015. Collection method: not provided. Allele origin: germline. Inheritance: Autosomal recessive inheritance. Affected: yes.

PreventionGenetics, part of Exact Sciences
Classification: Benign for LAMB1-related condition. Last evaluated: 2019-05-09. Review status: no assertion criteria provided. Collection method: clinical testing. Allele origin: germline. Not counted in ClinVar's aggregate classification.
Comment: This variant is classified as benign based on ACMG/AMP sequence variant interpretation guidelines (Richards et al. 2015 PMID: 25741868, with internal and published modifications).

NM_002291.3(LAMB1):c.4281G>T (p.Gly1427=)

Gene: LAMB1 (laminin subunit beta 1; minus strand). Cytogenetic location: 7q31.1.
Variant type: single nucleotide variant.
Coding change: c.4281G>T on transcript NM_002291.3 (MANE Select); coding-DNA position 4281, G replaced by T.
Protein change: p.Gly1427=; no amino-acid change (glycine 1427 retained).
Molecular consequence: synonymous variant.
Genome position (GRCh38, 1-based): chr7:107,932,285, C>A on the plus strand (G>T on the coding strand, the complement: LAMB1 is on the minus strand). VCF-style: chr7-107932285-C-A. GRCh37 (hg19) VCF-style: chr7-107572730-C-A.
Identifiers: ClinVar variation 382141 (VCV000382141.15), dbSNP rs57244800, ClinGen allele CA4435081.
Genomic context (GRCh38, chr7:107,932,285, plus strand): 5'-CAAGTCCATGGCTTTCTGCCAGGCGTTGTGTGCAACAGTAACCAGACCACCACAGCCAGG[C>A]CCCCCACACTTCCTCTCTCCTTCGTCAGTTCTGCAGTTTGGCCCGCCACATTCAGTCTCG-3'
Protein context (NP_002282.2, residues 1417-1437): RTDEGERKCG[Gly1427=]PGCGGLVTVA